The following is an entry in ClinVar:

ClinVar aggregate classification (germline): Uncertain significance (1 of 4 stars; one submission).

gnomAD v4.1: 44 of 1,614,086 alleles (0.0027%); highest among the groups gnomAD compares: South Asian, 0.041%; no homozygotes.

Submission:

Labcorp Genetics (formerly Invitae), Labcorp
Classification: Uncertain significance. Last evaluated: 2025-12-15. Review status: criteria provided, single submitter. Criteria: Invitae Variant Classification Sherloc (09022015). Collection method: clinical testing. Allele origin: germline.
Comment: This sequence change replaces alanine, which is neutral and non-polar, with serine, which is neutral and polar, at codon 1763 of the SRCAP protein (p.Ala1763Ser). This variant is present in population databases (rs541797069, gnomAD 0.05%), and has an allele count higher than expected for a pathogenic variant. This variant has not been reported in the literature in individuals affected with SRCAP-related conditions. Invitae Evidence Modeling of protein sequence and biophysical properties (such as structural, functional, and spatial information, amino acid conservation, physicochemical variation, residue mobility, and thermodynamic stability) indicates that this missense variant is not expected to disrupt SRCAP protein function with a negative predictive value of 80%. In summary, the available evidence is currently insufficient to determine the role of this variant in disease. Therefore, it has been classified as a Variant of Uncertain Significance.

NM_006662.3(SRCAP):c.5287G>T (p.Ala1763Ser)

Gene: SRCAP (Snf2 related CREBBP activator protein; plus strand). Cytogenetic location: 16p11.2.
Variant type: single nucleotide variant.
Coding change: c.5287G>T on transcript NM_006662.3 (MANE Select); coding-DNA position 5287, G replaced by T.
Protein change: p.Ala1763Ser; replaces alanine 1763 with serine.
Molecular consequence: missense variant.
Genome position (GRCh38, 1-based): chr16:30,724,711, G>T. VCF-style: chr16-30724711-G-T. GRCh37 (hg19) VCF-style: chr16-30736032-G-T.
Other names: short protein forms A1763S.
Identifiers: ClinVar variation 4750256 (VCV004750256.1).